The following is an entry in ClinVar:

ClinVar aggregate classification (germline): Likely pathogenic (1 of 4 stars; one submission).

Conditions:
Surfactant metabolism dysfunction, pulmonary, 4 (SMDP4). Also called: CSF2RA DEFICIENCY; PULMONARY ALVEOLAR PROTEINOSIS, CONGENITAL, 4; PAP DUE TO CSF2RA DEFICIENCY. Identifiers: Orphanet 264675, MedGen C2677877, MONDO:0010424, OMIM 300770.

Allele frequency attached by ClinVar (database versions not stated): gnomAD exomes below 0.00001.
gnomAD v4.1: 2 of 1,613,340 alleles (0.00012%); highest among the groups gnomAD compares: Admixed American, 0.0017%; no homozygotes.

Submission:

Labcorp Genetics (formerly Invitae), Labcorp
Classification: Likely pathogenic for Surfactant metabolism dysfunction, pulmonary, 4. Last evaluated: 2022-04-15. Review status: criteria provided, single submitter. Criteria: Invitae Variant Classification Sherloc (09022015). Collection method: clinical testing. Allele origin: germline.
Comment: In summary, the currently available evidence indicates that the variant is pathogenic, but additional data are needed to prove that conclusively. Therefore, this variant has been classified as Likely Pathogenic. Algorithms developed to predict the effect of sequence changes on RNA splicing suggest that this variant may disrupt the consensus splice site. This variant has not been reported in the literature in individuals affected with CSF2RA-related conditions. This variant is not present in population databases (gnomAD no frequency). This sequence change affects an acceptor splice site in intron 7 of the CSF2RA gene. It is expected to disrupt RNA splicing. Variants that disrupt the donor or acceptor splice site typically lead to a loss of protein function (PMID: 16199547), and loss-of-function variants in CSF2RA are known to be pathogenic (PMID: 20622029, 25425184).

Literature cited by the submitters: PubMed 16199547; PubMed 20622029; PubMed 25425184.

NM_172245.4(CSF2RA):c.647-2A>G

Gene: CSF2RA (colony stimulating factor 2 receptor subunit alpha; plus strand). Cytogenetic location: Xp22.33.
Variant type: single nucleotide variant.
Coding change: c.647-2A>G on transcript NM_172245.4 (MANE Select); the canonical splice acceptor site of the intron before coding-DNA position 647, A replaced by G.
Molecular consequence: splice acceptor variant. On other transcripts: intron variant (2).
Genome position (GRCh38, 1-based): chrX:1,294,326, A>G. VCF-style: chrX-1294326-A-G. GRCh37 (hg19) VCF-style: chrX-1413219-A-G.
Other names: c.647-2A>G (NM_001379165.1, NM_001379161.1, NM_001379167.1 and 18 more transcripts); c.646+3817A>G (NM_172249.4); c.647-21A>G (NM_001379166.1); c.248-2A>G (NM_001161532.2).
Identifiers: ClinVar variation 1948181 (VCV001948181.5), dbSNP rs2522384987, ClinGen allele CA412235854.